The following is an entry in ClinVar:

NM_002775.5(HTRA1):c.973-7A>T

Gene: HTRA1 (HtrA serine peptidase 1; plus strand). Cytogenetic location: 10q26.13.
Variant type: single nucleotide variant.
Coding change: c.973-7A>T on transcript NM_002775.5 (MANE Select); 7 bases into the intron before coding-DNA position 973, A replaced by T.
Molecular consequence: intron variant.
Genome position (GRCh38, 1-based): chr10:122,507,363, A>T. VCF-style: chr10-122507363-A-T. GRCh37 (hg19) VCF-style: chr10-124266879-A-T.
Identifiers: ClinVar variation 742228 (VCV000742228.8), dbSNP rs778011757, ClinGen allele CA5726003.

ClinVar aggregate classification (germline): Likely benign. Review status: criteria provided, multiple submitters, no conflicts (2 of 4 stars). 2 submissions from 2 submitters: Likely benign (2). Last evaluated 2025-08-01.

Conditions:
HTRA1-related disorder. Also called: HTRA1-related condition.

Allele frequency attached by ClinVar (database versions not stated): ExAC 0.00005; TOPMed 0.00005; gnomAD 0.00001; gnomAD exomes 0.00002 and 0.00010.
gnomAD v4.1: 31 of 1,609,830 alleles (0.0019%); highest among the groups gnomAD compares: Admixed American, 0.047%; no homozygotes.

Submissions (2):

PreventionGenetics, part of Exact Sciences
Classification: Likely benign for HTRA1-related condition. Last evaluated: 2025-08-01. Review status: criteria provided, single submitter. Criteria: ACMG Guidelines, 2015. Collection method: clinical testing. Allele origin: germline.
Comment: This variant is classified as likely benign based on ACMG/AMP sequence variant interpretation guidelines (Richards et al. 2015 PMID: 25741868, with internal and published modifications).

Labcorp Genetics (formerly Invitae), Labcorp
Classification: Likely benign. Last evaluated: 2022-12-16. Review status: criteria provided, single submitter. Criteria: Invitae Variant Classification Sherloc (09022015). Collection method: clinical testing. Allele origin: germline.